The following is an entry in ClinVar:

NM_001031710.3(KLHL7):c.458C>T (p.Ala153Val)

Gene: KLHL7 (kelch like family member 7; plus strand). Cytogenetic location: 7p15.3.
Variant type: single nucleotide variant.
Coding change: c.458C>T on transcript NM_001031710.3 (MANE Select); coding-DNA position 458, C replaced by T.
Protein change: p.Ala153Val; replaces alanine 153 with valine.
Molecular consequence: missense variant. On other transcripts: non-coding transcript variant (1).
Genome position (GRCh38, 1-based): chr7:23,140,784, C>T. VCF-style: chr7-23140784-C-T. GRCh37 (hg19) VCF-style: chr7-23180403-C-T.
Other names: c.314C>T, p.Ala105Val (NM_018846.5); short protein forms A153V, A105V.
Identifiers: ClinVar variation 1009 (VCV000001009.23), dbSNP rs137853113, ClinGen allele CA221427.

ClinVar aggregate classification (germline): Pathogenic/Likely pathogenic. Review status: criteria provided, multiple submitters, no conflicts (2 of 4 stars). 12 submissions from 12 submitters: Pathogenic (9); Likely pathogenic (1). 2 of the submissions do not count toward it. Last evaluated 2025-03-17.

Conditions:
KLHL7-related disorder. Also called: KLHL7-related condition; KLHL7-related disorders.
Retinal dystrophy. Also called: Inherited retinal dystrophy. Identifiers: Orphanet 71862, MedGen C0854723, MeSH D058499, MONDO:0019118, HP:0000556.
Retinitis pigmentosa (RP). Identifiers: Orphanet 791, MedGen C0035334, MeSH D012174, MONDO:0019200, OMIM 268000. Inheritance: Autosomal dominant, autosomal recessive and X linked inheritance.
Retinitis pigmentosa 42 (RP42). Identifiers: Orphanet 791, MedGen C2751986, MONDO:0013052, OMIM 612943.

Submissions (12):

Labcorp Genetics (formerly Invitae), Labcorp
Classification: Pathogenic. Last evaluated: 2025-03-17. Review status: criteria provided, single submitter. Criteria: Invitae Variant Classification Sherloc (09022015). Collection method: clinical testing. Allele origin: germline.
Comment: This sequence change replaces alanine, which is neutral and non-polar, with valine, which is neutral and non-polar, at codon 153 of the KLHL7 protein (p.Ala153Val). This variant is not present in population databases (gnomAD no frequency). This missense change has been observed in individual(s) with autosomal dominant retinitis pigmentosa (PMID: 19520207). It has also been observed to segregate with disease in related individuals. ClinVar contains an entry for this variant (Variation ID: 1009). An algorithm developed to predict the effect of missense changes on protein structure and function (PolyPhen-2) suggests that this variant is likely to be disruptive. Experimental studies have shown that this missense change affects KLHL7 function (PMID: 21828050). For these reasons, this variant has been classified as Pathogenic.

SingHealth Duke-NUS Institute of Precision Medicine
Classification: Likely pathogenic for Retinitis pigmentosa 42. Last evaluated: 2025-02-05. Review status: criteria provided, single submitter. Criteria: PRISM ACMG Classification Criteria. Collection method: clinical testing. Allele origin: germline. Affected: yes.
Comment: Variant is located in a mutational hotspot where >50% of variants are pathogenic (PM1). Variant is not found in gnomAD exomes or genomes (PM2). REVEL score is 0.895 (PP3_mod). Cosegregation with the disease phenotypes is observed in multiple families PP1, internal data)

GeneDx
Classification: Pathogenic. Last evaluated: 2024-12-17. Review status: criteria provided, single submitter. Criteria: GeneDx Variant Classification Process June 2021. Collection method: clinical testing. Allele origin: germline. Affected: yes.
Comment: Published functional studies demonstrate a damaging dominant-negative effect (PMID: 21828050); In silico analysis supports that this missense variant has a deleterious effect on protein structure/function; Not observed at significant frequency in large population cohorts (gnomAD); This variant is associated with the following publications: (PMID: 20547956, 22084217, 26155838, 28559085, 31856884, 31456290, 33576794, 36460718, 35052694, 36819107, 37734845, 38219857, 21828050, 19520207)

Blueprint Genetics
Classification: Pathogenic for KLHL7-related disorders. Last evaluated: 2024-09-10. Review status: criteria provided, single submitter. Criteria: ACMG Guidelines, 2015. Collection method: clinical testing. Allele origin: germline. Affected: yes. Observed: 5 variant alleles.

Dept Of Ophthalmology, Nagoya University
Classification: Pathogenic for Retinal dystrophy. Last evaluated: 2023-10-01. Review status: criteria provided, single submitter. Criteria: Submitter's publication. Collection method: research. Allele origin: germline. Affected: yes.

Institute of Medical Genetics and Applied Genomics, University Hospital Tübingen
Classification: Pathogenic. Last evaluated: 2021-06-17. Review status: criteria provided, single submitter. Criteria: ACMG Guidelines, 2015. Collection method: clinical testing. Allele origin: germline. Inheritance: Autosomal dominant inheritance. Affected: yes.

Genetics and Molecular Pathology, SA Pathology
Classification: Pathogenic for Retinitis pigmentosa 42. Last evaluated: 2021-04-29. Review status: criteria provided, single submitter. Criteria: ACMG Guidelines, 2015. Collection method: clinical testing. Allele origin: germline. Affected: yes.

Institute of Human Genetics, University of Leipzig Medical Center
Classification: Pathogenic for Retinitis pigmentosa 42. Last evaluated: 2020-03-04. Review status: criteria provided, single submitter. Criteria: ACMG Guidelines, 2015. Collection method: clinical testing. Allele origin: germline. Affected: yes. Observed: 1 variant allele.

Institute of Human Genetics, Univ. Regensburg, Univ. Regensburg
Classification: Pathogenic for Retinal dystrophy. Last evaluated: 2020-01-01. Review status: criteria provided, single submitter. Criteria: ACMG Guidelines, 2015. Collection method: clinical testing. Allele origin: germline. Affected: yes.

Eurofins Ntd Llc (ga)
Classification: Pathogenic. Last evaluated: 2013-08-16. Review status: criteria provided, single submitter. Criteria: EGL Classification Definitions 2015. Collection method: clinical testing. Allele origin: germline. Observed: 1 variant allele, 1 heterozygote.

Sharon lab, Hadassah-Hebrew University Medical Center
Classification: Likely pathogenic for Retinitis pigmentosa. Last evaluated: 2019-06-23. Review status: no assertion criteria provided. Collection method: research. Allele origin: inherited. Affected: yes. Not counted in ClinVar's aggregate classification.

OMIM
Classification: Pathogenic for RETINITIS PIGMENTOSA 42. Last evaluated: 2011-09-23. Review status: no assertion criteria provided. Collection method: literature only. Allele origin: germline. Not counted in ClinVar's aggregate classification.

Literature cited by the submitters: PubMed 19520207 (cited by 3 submitters); PubMed 21828050 (cited by 3 submitters); PubMed 20547956 (cited by Institute of Human Genetics, Univ. Regensburg, Univ. Regensburg); PubMed 28559085 (cited by Institute of Human Genetics, Univ. Regensburg, Univ. Regensburg); PubMed 31856884 (cited by Institute of Human Genetics, Univ. Regensburg, Univ. Regensburg); PubMed 31456290 (cited by Institute of Human Genetics, Univ. Regensburg, Univ. Regensburg); PubMed 33576794 (cited by Institute of Human Genetics, Univ. Regensburg, Univ. Regensburg); PubMed 35052694 (cited by Institute of Human Genetics, Univ. Regensburg, Univ. Regensburg); PubMed 36460718 (cited by Institute of Human Genetics, Univ. Regensburg, Univ. Regensburg); PubMed 36819107 (cited by Institute of Human Genetics, Univ. Regensburg, Univ. Regensburg).